The following is an entry in ClinVar:

NM_000138.5(FBN1):c.7125T>A (p.Cys2375Ter)

Gene: FBN1 (fibrillin 1; minus strand). Cytogenetic location: 15q21.1.
Variant type: single nucleotide variant.
Coding change: c.7125T>A on transcript NM_000138.5 (MANE Select); coding-DNA position 7125, T replaced by A.
Protein change: p.Cys2375Ter; replaces cysteine 2375 with a stop codon.
Molecular consequence: nonsense.
Genome position (GRCh38, 1-based): chr15:48,427,646, A>T on the plus strand (T>A on the coding strand, the complement: FBN1 is on the minus strand). VCF-style: chr15-48427646-A-T. GRCh37 (hg19) VCF-style: chr15-48719843-A-T.
Other names: p.C2375X:TGT>TGA; short protein forms C2375*.
Identifiers: ClinVar variation 200105 (VCV000200105.7), dbSNP rs794728265, ClinGen allele CA017025.

ClinVar aggregate classification (germline): Pathogenic. Review status: criteria provided, multiple submitters, no conflicts (2 of 4 stars). 2 submissions from 2 submitters: Pathogenic (2). Last evaluated 2017-10-22.

Conditions:
Marfan syndrome (MFS). Also called: MARFAN SYNDROME, TYPE I; FBN1-Related Marfan Syndrome; Marfan syndrome, classic; Marfan syndrome type 1; Marfan's syndrome. Identifiers: Orphanet 284963, Orphanet 558, MedGen C0024796, MONDO:0007947, OMIM 154700.
Familial thoracic aortic aneurysm and aortic dissection (TAAD). Also called: Thoracic aortic aneurysms and dissections. Identifiers: Orphanet 91387, MedGen C4707243, MONDO:0019625.

Submissions (2):

Labcorp Genetics (formerly Invitae), Labcorp
Classification: Pathogenic for Marfan syndrome; Familial thoracic aortic aneurysm and aortic dissection. Last evaluated: 2017-10-22. Review status: criteria provided, single submitter. Criteria: Invitae Variant Classification Sherloc (09022015). Collection method: clinical testing. Allele origin: germline.
Comment: For these reasons, this variant has been classified as Pathogenic. Loss-of-function variants in FBN1 are known to be pathogenic (PMID: 17657824, 19293843). This variant has not been reported in the literature in individuals with FBN1-related disease. ClinVar contains an entry for this variant (Variation ID: 200105). This variant is not present in population databases (ExAC no frequency). This sequence change creates a premature translational stop signal (p.Cys2375*) in the FBN1 gene. It is expected to result in an absent or disrupted protein product.

GeneDx
Classification: Pathogenic. Last evaluated: 2013-04-25. Review status: criteria provided, single submitter. Criteria: GeneDx Variant Classification (06012015). Collection method: clinical testing. Allele origin: germline. Affected: yes.
Comment: p.Cys2375Stop (TGT>TGA): c.7125 T>A in exon 58 of the FBN1 gene (NM_000138.4)The Cys2375Stop mutation in the FBN1 gene has not been reported as a disease-causing mutation or as a benign polymorphism to our knowledge. Cys2375Stop is predicted to cause loss of normal protein function either by protein truncation or nonsense-mediated mRNA decay. Other nonsense mutations in the FBN1 gene have been reported in association with Marfan syndrome. In summary, Cys2375Stop in the FBN1 gene is interpreted as a disease-causing mutation. The variant is found in TAAD panel(s).

Literature cited by the submitters: PubMed 17657824 (cited by Labcorp Genetics (formerly Invitae), Labcorp); PubMed 19293843 (cited by Labcorp Genetics (formerly Invitae), Labcorp).